The following is an entry in ClinVar:

NM_013276.4(SHPK):c.1183dup (p.Leu395fs)

Gene: SHPK (sedoheptulokinase; minus strand). Cytogenetic location: 17p13.2.
Variant type: Duplication.
Coding change: c.1183dup on transcript NM_013276.4 (MANE Select); coding-DNA position 1183, one base duplicated (C; older notation c.1183dupC).
Protein change: p.Leu395fs; shifts the reading frame from leucine 395.
Molecular consequence: frameshift variant.
Genome position (GRCh38, 1-based): chr17:3,610,814, G duplicated on the plus strand (C on the coding strand, the reverse complement: SHPK is on the minus strand); the first of 3 consecutive G bases (chr17:3,610,814-3,610,816); duplicating any one gives the same sequence. VCF-style (leftmost placement, unchanged base first): chr17-3610813-A-AG. GRCh37 (hg19) VCF-style: chr17-3514107-A-AG.
Other names: short protein forms L395fs.
Identifiers: ClinVar variation 1914688 (VCV001914688.5), dbSNP rs2507563954, ClinGen allele CA2580093507.

ClinVar aggregate classification (germline): Uncertain significance (1 of 4 stars; one submission).

Submission:

Labcorp Genetics (formerly Invitae), Labcorp
Classification: Uncertain significance. Last evaluated: 2022-08-09. Review status: criteria provided, single submitter. Criteria: Invitae Variant Classification Sherloc (09022015). Collection method: clinical testing. Allele origin: germline.
Comment: In summary, the available evidence is currently insufficient to determine the role of this variant in disease. Therefore, it has been classified as a Variant of Uncertain Significance. This variant has not been reported in the literature in individuals affected with SHPK-related conditions. This variant is not present in population databases (gnomAD no frequency). This sequence change creates a premature translational stop signal (p.Leu395Profs*44) in the SHPK gene. While this is not anticipated to result in nonsense mediated decay, it is expected to disrupt the last 84 amino acid(s) of the SHPK protein.